The following is an entry in ClinVar:

ClinVar aggregate classification (germline): Uncertain significance (1 of 4 stars; one submission).

gnomAD v4.1: 1 of 1,195,893 alleles (0.000084%); highest among the groups gnomAD compares: Middle Eastern, 0.023%; no homozygotes.

Submission:

GeneDx
Classification: Uncertain significance. Last evaluated: 2025-07-30. Review status: criteria provided, single submitter. Criteria: GeneDx Variant Classification Process June 2021. Collection method: clinical testing. Allele origin: germline. Affected: yes.
Comment: Not observed at significant frequency in large population cohorts (gnomAD); In silico analysis supports that this missense variant has a deleterious effect on protein structure/function; Has not been previously published as pathogenic or benign to our knowledge

NM_020922.5(WNK3):c.2359G>C (p.Asp787His)

Gene: WNK3 (WNK lysine deficient protein kinase 3; minus strand). Cytogenetic location: Xp11.22.
Variant type: single nucleotide variant.
Coding change: c.2359G>C on transcript NM_020922.5 (MANE Select); coding-DNA position 2359, G replaced by C.
Protein change: p.Asp787His; replaces aspartic acid 787 with histidine.
Molecular consequence: missense variant.
Genome position (GRCh38, 1-based): chrX:54,253,967, C>G on the plus strand (G>C on the coding strand, the complement: WNK3 is on the minus strand). VCF-style: chrX-54253967-C-G. GRCh37 (hg19) VCF-style: chrX-54280400-C-G.
Other names: c.2359G>C, p.Asp787His (NM_001002838.4, NM_001395166.1); short protein forms D787H.
Identifiers: ClinVar variation 4690019 (VCV004690019.1).